The following is an entry in ClinVar:

NM_001201550.3(CFHR4):c.294A>G (p.Gly98=)

Gene: CFHR4 (complement factor H related 4; plus strand). Cytogenetic location: 1q31.3.
Variant type: single nucleotide variant.
Coding change: c.294A>G on transcript NM_001201550.3 (MANE Select); coding-DNA position 294, A replaced by G.
Protein change: p.Gly98=; no amino-acid change (glycine 98 retained).
Molecular consequence: synonymous variant. On other transcripts: intron variant (1).
Genome position (GRCh38, 1-based): chr1:196,905,145, A>G. VCF-style: chr1-196905145-A-G. GRCh37 (hg19) VCF-style: chr1-196874275-A-G.
Other names: p.Gly97=; c.291A>G, p.Gly97= (NM_001201551.2); c.256+2530A>G (NM_006684.5).
Identifiers: ClinVar variation 4683977 (VCV004683977.1).
Genomic context (GRCh38, chr1:196,905,145, plus strand): 5'-TTTCTCTACTTTTTCTATTTTAGGAACATGCTCAAAATCAGATGTAGAAATTGAAAATGG[A>G]TTCATTTCTGAATCTTCCTCTATTTATATTTTAAATGAAGAAACACAATATAATTGTAAA-3'
Protein context (NP_001188479.1, residues 88-108): CSKSDVEIEN[Gly98=]FISESSSIYI

ClinVar aggregate classification (germline): Likely benign (1 of 4 stars; one submission).

gnomAD v4.1: 4 of 1,604,160 alleles (0.00025%); highest among the groups gnomAD compares: African/African-American, 0.0054%; no homozygotes.

Submission:

Mayo Clinic Laboratories, Mayo Clinic
Classification: Likely benign. Last evaluated: 2025-09-08. Review status: criteria provided, single submitter. Criteria: ACMG Guidelines, 2015. Collection method: clinical testing. Allele origin: germline. Observed: 1 variant allele.
Comment: BP4, BP7